The following is an entry in ClinVar:

ClinVar aggregate classification (germline): Benign (1 of 4 stars; one submission).

Conditions:
Erythrocytosis, familial, 3 (ECYT3). Identifiers: Orphanet 247511, MedGen C1853286, MONDO:0012353, OMIM 609820.

Allele frequency attached by ClinVar (database versions not stated): 1000 Genomes Project 30x 0.00141; gnomAD 0.00141 and 0.00152; TOPMed 0.00167; 1000 Genomes Project 0.00180.

Submission:

Illumina Laboratory Services, Illumina
Classification: Benign for Erythrocytosis, familial, 3. Last evaluated: 2018-01-13. Review status: criteria provided, single submitter. Criteria: ICSL Variant Classification Criteria 13 December 2019. Collection method: clinical testing. Allele origin: germline.
Comment: This variant was observed in the ICSL laboratory as part of a predisposition screen in an ostensibly healthy population. It had not been previously curated by ICSL or reported in the Human Gene Mutation Database (HGMD: prior to June 1st, 2018), and was therefore a candidate for classification through an automated scoring system. Utilizing variant allele frequency, disease prevalence and penetrance estimates, and inheritance mode, an automated score was calculated to assess if this variant is too frequent to cause the disease. Based on the score and internal cut-off values, a variant classified as benign is not then subjected to further curation. The score for this variant resulted in a classification of benign for this disease.

NM_022051.3(EGLN1):c.*622A>G

Gene: EGLN1 (egl-9 family hypoxia inducible factor 1; minus strand). Cytogenetic location: 1q42.2.
Variant type: single nucleotide variant.
Coding change: c.*622A>G on transcript NM_022051.3 (MANE Select); 622 bases downstream of the stop codon, A replaced by G.
Molecular consequence: 3 prime UTR variant.
Genome position (GRCh38, 1-based): chr1:231,365,789, T>C on the plus strand (A>G on the coding strand, the complement: EGLN1 is on the minus strand). VCF-style: chr1-231365789-T-C. GRCh37 (hg19) VCF-style: chr1-231501535-T-C.
Other names: c.*683A>G (NM_001377260.1); c.*728A>G (NM_001377261.1).
Identifiers: ClinVar variation 296174 (VCV000296174.5), dbSNP rs183632912, ClinGen allele CA10609457.